The following is an entry in ClinVar:

NM_002303.6(LEPR):c.2491+3A>G

Gene: LEPR (leptin receptor; plus strand). Cytogenetic location: 1p31.3.
Variant type: single nucleotide variant.
Coding change: c.2491+3A>G on transcript NM_002303.6 (MANE Select); 3 bases into the intron after coding-DNA position 2491, A replaced by G.
Molecular consequence: intron variant.
Genome position (GRCh38, 1-based): chr1:65,620,026, A>G. VCF-style: chr1-65620026-A-G. GRCh37 (hg19) VCF-style: chr1-66085709-A-G.
Other names: c.2491+3A>G (NM_001003679.3, NM_001003680.3, NM_001198689.2 and 2 more transcripts).
Identifiers: ClinVar variation 3358151 (VCV003358151.1).

ClinVar aggregate classification (germline): Uncertain significance (0 of 4 stars; one submission).

Conditions:
LEPR-related disorder. Also called: LEPR-related condition; LEPR-related disorders.

gnomAD v4.1: 3 of 1,602,716 alleles (0.00019%); highest among the groups gnomAD compares: Non-Finnish European, 0.00026%; no homozygotes.

Submission:

PreventionGenetics, part of Exact Sciences
Classification: Uncertain significance for LEPR-related condition. Last evaluated: 2024-06-13. Review status: no assertion criteria provided. Collection method: clinical testing. Allele origin: germline.
Comment: The LEPR c.2491+3A>G variant is predicted to interfere with splicing. This variant is predicted to alter splicing based on available splicing prediction software (SpliceAI, Jaganathan et al. 2019. PubMed ID: 30661751). However, the use of computer prediction softwares is not equivalent to functional evidence. To our knowledge, this variant has not been reported in the literature or in a large population database, indicating this variant is rare. At this time, the clinical significance of this variant is uncertain due to the absence of conclusive functional and genetic evidence.